The following is an entry in ClinVar:

NM_001165963.4(SCN1A):c.3500C>T (p.Pro1167Leu)

Genes: SCN1A (sodium voltage-gated channel alpha subunit 1; minus strand), LOC102724058 (uncharacterized LOC102724058; plus strand). Cytogenetic location: 2q24.3.
Variant type: single nucleotide variant.
Coding change: c.3500C>T on transcript NM_001165963.4 (MANE Select); coding-DNA position 3500, C replaced by T.
Protein change: p.Pro1167Leu; replaces proline 1167 with leucine.
Molecular consequence: missense variant. On other transcripts: non-coding transcript variant (2).
Genome position (GRCh38, 1-based): chr2:166,015,657, G>A on the plus strand (C>T on the coding strand, the complement: SCN1A is on the minus strand). VCF-style: chr2-166015657-G-A. GRCh37 (hg19) VCF-style: chr2-166872167-G-A.
Other names: c.3467C>T, p.Pro1156Leu (NM_001353949.2, NM_001353950.2, NM_001353951.2 and 2 more transcripts); c.3416C>T, p.Pro1139Leu (NM_001165964.3, NM_001353957.2, NM_001353958.2); c.3500C>T, p.Pro1167Leu (NM_001202435.3, NM_001353948.2); c.3464C>T, p.Pro1155Leu (NM_001353954.2, NM_001353955.2); c.3413C>T, p.Pro1138Leu (NM_001353960.2); c.1058C>T, p.Pro353Leu (NM_001353961.2); short protein forms P1138L, P1139L, P1155L, P1156L, P1167L, P353L.
Identifiers: ClinVar variation 1307888 (VCV001307888.2), dbSNP rs1693179742, ClinGen allele CA349056691.
Genomic context (GRCh38, chr2:166,015,657, plus strand): 5'-TTTTCTTTACCTTCAGTGAAACAAGCTTCTGGTTCAAGAGTTTCTTCAGGTTCCACTACG[G>A]GCTGTTCTTCTACAGGTGCGCCGATGTCCACAGTGCTACCTTCTGATGAGCTACTGCTTT-3'
Protein context (NP_001159435.1, residues 1157-1177): VDIGAPVEEQ[Pro1167Leu]VVEPEETLEP

ClinVar aggregate classification (germline): Uncertain significance (1 of 4 stars; one submission).

Allele frequency attached by ClinVar (database versions not stated): gnomAD exomes below 0.00001; gnomAD 0.00001; TOPMed 0.00001.

Submission:

GeneDx
Classification: Uncertain significance. Last evaluated: 2019-08-15. Review status: criteria provided, single submitter. Criteria: GeneDx Variant Classification Process June 2021. Collection method: clinical testing. Allele origin: germline. Affected: yes.
Comment: Not observed in large population cohorts (Lek et al., 2016); The majority of missense variants in this gene are considered pathogenic (Stenson et al., 2014); In silico analysis, which includes protein predictors and evolutionary conservation, supports a deleterious effect; Has not been previously published as pathogenic or benign to our knowledge